The following is an entry in ClinVar:

ClinVar aggregate classification (germline): Uncertain significance. Review status: criteria provided, single submitter (1 of 4 stars). 2 submissions from 2 submitters: Uncertain significance (1). 1 of the submissions does not count toward it. Last evaluated 2024-03-20.

Conditions:
Alstrom syndrome (ALMS). Identifiers: Orphanet 64, MedGen C0268425, MONDO:0008763, OMIM 203800.

Allele frequency attached by ClinVar (database versions not stated): gnomAD exomes below 0.00001; gnomAD 0.00001; TOPMed 0.00001; ESP Exome Variant Server 0.00008.
gnomAD v4.1: 2 of 1,614,024 alleles (0.00012%); highest among the groups gnomAD compares: Non-Finnish European, 0.00017%; no homozygotes.

Submissions (2):

Labcorp Genetics (formerly Invitae), Labcorp
Classification: Uncertain significance for Alstrom syndrome. Last evaluated: 2024-03-20. Review status: criteria provided, single submitter. Criteria: Invitae Variant Classification Sherloc (09022015). Collection method: clinical testing. Allele origin: germline.
Comment: This sequence change replaces asparagine, which is neutral and polar, with aspartic acid, which is acidic and polar, at codon 3815 of the ALMS1 protein (p.Asn3815Asp). This variant is not present in population databases (gnomAD no frequency). This variant has not been reported in the literature in individuals affected with ALMS1-related conditions. ClinVar contains an entry for this variant (Variation ID: 552725). Algorithms developed to predict the effect of missense changes on protein structure and function output the following: SIFT: "Not Available"; PolyPhen-2: "Not Available"; Align-GVGD: "Not Available". The aspartic acid amino acid residue is found in multiple mammalian species, which suggests that this missense change does not adversely affect protein function. In summary, the available evidence is currently insufficient to determine the role of this variant in disease. Therefore, it has been classified as a Variant of Uncertain Significance.

Counsyl
Classification: Uncertain significance for Alstrom syndrome. Last evaluated: 2017-07-06. Review status: no assertion criteria provided. Collection method: clinical testing. Allele origin: unknown. Not counted in ClinVar's aggregate classification.

NM_001378454.1(ALMS1):c.11440A>G (p.Asn3814Asp)

Gene: ALMS1 (ALMS1 centrosome and basal body associated protein; plus strand). Cytogenetic location: 2p13.1.
Variant type: single nucleotide variant.
Coding change: c.11440A>G on transcript NM_001378454.1 (MANE Select); coding-DNA position 11440, A replaced by G.
Protein change: p.Asn3814Asp; replaces asparagine 3814 with aspartic acid.
Molecular consequence: missense variant.
Genome position (GRCh38, 1-based): chr2:73,573,317, A>G. VCF-style: chr2-73573317-A-G. GRCh37 (hg19) VCF-style: chr2-73800444-A-G.
Other names: c.11443A>G, p.Asn3815Asp (NM_015120.4); short protein forms N3815D, N3814D.
Identifiers: ClinVar variation 552725 (VCV000552725.4), dbSNP rs369256893, ClinGen allele CA50387080.